The following is an entry in ClinVar:

NM_003716.4(CADPS):c.1335C>T (p.Thr445=)

Gene: CADPS (calcium dependent secretion activator; minus strand). Cytogenetic location: 3p14.2.
Variant type: single nucleotide variant.
Coding change: c.1335C>T on transcript NM_003716.4 (MANE Select); coding-DNA position 1335, C replaced by T.
Protein change: p.Thr445=; no amino-acid change (threonine 445 retained).
Molecular consequence: synonymous variant.
Genome position (GRCh38, 1-based): chr3:62,592,739, G>A on the plus strand (C>T on the coding strand, the complement: CADPS is on the minus strand). VCF-style: chr3-62592739-G-A. GRCh37 (hg19) VCF-style: chr3-62578414-G-A.
Other names: c.1335C>T, p.Thr445= (NM_183393.3, NM_183394.3).
Identifiers: ClinVar variation 3035338 (VCV003035338.2), dbSNP rs139420058, ClinGen allele CA2477037.

ClinVar aggregate classification (germline): Likely benign (0 of 4 stars; one submission).

Conditions:
CADPS-related disorder. Also called: CADPS-related condition.

Allele frequency attached by ClinVar (database versions not stated): 1000 Genomes Project 30x 0.00031; 1000 Genomes Project 0.00040; TOPMed 0.00063; gnomAD 0.00094; ExAC 0.00098; ESP Exome Variant Server 0.00100.
gnomAD v4.1: 1,677 of 1,613,542 alleles (0.1%); highest among the groups gnomAD compares: Non-Finnish European, 0.11%; 4 homozygotes.

Submission:

PreventionGenetics, part of Exact Sciences
Classification: Likely benign for CADPS-related condition. Last evaluated: 2020-12-21. Review status: no assertion criteria provided. Collection method: clinical testing. Allele origin: germline.
Comment: This variant is classified as likely benign based on ACMG/AMP sequence variant interpretation guidelines (Richards et al. 2015 PMID: 25741868, with internal and published modifications).